The following is an entry in ClinVar:

ClinVar aggregate classification (germline): Uncertain significance. Review status: criteria provided, multiple submitters, no conflicts (2 of 4 stars). 3 submissions from 3 submitters: Uncertain significance (3). Last evaluated 2025-05-12.

Conditions:
Hereditary cancer-predisposing syndrome. Also called: Neoplastic Syndromes, Hereditary; Hereditary neoplastic syndrome; Tumor predisposition; Hereditary Cancer Syndrome. Identifiers: Orphanet 140162, MedGen C0027672, MeSH D009386, MONDO:0015356.
Hereditary pheochromocytoma and paraganglioma. Also called: Hereditary Paraganglioma-Pheochromocytoma Syndromes; Hereditary paragangliomas and pheochromocytomas; Hereditary pheochromocytoma-paraganglioma. Identifiers: Orphanet 29072, MedGen C4274332, MONDO:0017366.
Pheochromocytoma. Also called: MAX-Related Hereditary Paraganglioma-Pheochromocytoma Syndrome. Identifiers: Orphanet 29072, MedGen C0031511, MONDO:0008233, OMIM 171300, HP:0002666.

Allele frequency attached by ClinVar (database versions not stated): TOPMed 0.00001; gnomAD 0.00003.

Submissions (3):

Labcorp Genetics (formerly Invitae), Labcorp
Classification: Uncertain significance for Hereditary pheochromocytoma and paraganglioma. Last evaluated: 2025-05-12. Review status: criteria provided, single submitter. Criteria: Invitae Variant Classification Sherloc (09022015). Collection method: clinical testing. Allele origin: germline.
Comment: This sequence change replaces leucine, which is neutral and non-polar, with proline, which is neutral and non-polar, at codon 138 of the TMEM127 protein (p.Leu138Pro). This variant is present in population databases (no rsID available, gnomAD 0.007%). This missense change has been observed in individual(s) with paraganglioma (PMID: 33051659). ClinVar contains an entry for this variant (Variation ID: 405203). An algorithm developed to predict the effect of missense changes on protein structure and function (PolyPhen-2) suggests that this variant is likely to be disruptive. In summary, the available evidence is currently insufficient to determine the role of this variant in disease. Therefore, it has been classified as a Variant of Uncertain Significance.

Ambry Genetics
Classification: Uncertain significance for Hereditary cancer-predisposing syndrome. Last evaluated: 2024-09-01. Review status: criteria provided, single submitter. Criteria: Ambry Variant Classification Scheme 2023. Collection method: clinical testing. Allele origin: germline.
Comment: The p.L138P variant (also known as c.413T>C), located in coding exon 3 of the TMEM127 gene, results from a T to C substitution at nucleotide position 413. The leucine at codon 138 is replaced by proline, an amino acid with similar properties. This amino acid position is highly conserved in available vertebrate species. In addition, this alteration is predicted to be deleterious by in silico analysis. Since supporting evidence is limited at this time, the clinical significance of this alteration remains unclear.

Baylor Genetics
Classification: Uncertain significance for Pheochromocytoma. Last evaluated: 2024-03-04. Review status: criteria provided, single submitter. Criteria: ACMG Guidelines, 2015. Collection method: clinical testing. Allele origin: unknown.

Literature cited by the submitters: PubMed 33051659 (cited by Labcorp Genetics (formerly Invitae), Labcorp).

NM_017849.4(TMEM127):c.413T>C (p.Leu138Pro)

Gene: TMEM127 (transmembrane protein 127; minus strand). Cytogenetic location: 2q11.2.
Variant type: single nucleotide variant.
Coding change: c.413T>C on transcript NM_017849.4 (MANE Select); coding-DNA position 413, T replaced by C.
Protein change: p.Leu138Pro; replaces leucine 138 with proline.
Molecular consequence: missense variant.
Genome position (GRCh38, 1-based): chr2:96,254,112, A>G on the plus strand (T>C on the coding strand, the complement: TMEM127 is on the minus strand). VCF-style: chr2-96254112-A-G. GRCh37 (hg19) VCF-style: chr2-96919850-A-G.
Other names: c.413T>C, p.Leu138Pro (NM_001193304.3); short protein forms L138P.
Identifiers: ClinVar variation 405203 (VCV000405203.15), dbSNP rs772714957, ClinGen allele CA16611125.
Genomic context (GRCh38, chr2:96,254,112, plus strand): 5'-TGCTGGGCCAAGATGAGTTCAGAAGCCCAATAAGAAAAGCCAATGACGGTGGCACACTGC[A>G]GAACTAGGAGACAGAGGGACAGCACAGAAGGGGAATTAGTGAGCACTCCACAGCTAGGAT-3'
Protein context (NP_060319.1, residues 128-148): RYAFAHILTV[Leu138Pro]QCATVIGFSY